The following is an entry in ClinVar:

ClinVar aggregate classification (germline): Pathogenic. Review status: criteria provided, multiple submitters, no conflicts (2 of 4 stars). 3 submissions from 3 submitters: Pathogenic (3). Last evaluated 2025-11-24.

Conditions:
Hereditary nonpolyposis colorectal neoplasms. Identifiers: MedGen C0009405, MeSH D003123.
Hereditary cancer-predisposing syndrome. Also called: Tumor predisposition; Hereditary Cancer Syndrome; Neoplastic Syndromes, Hereditary; Hereditary neoplastic syndrome. Identifiers: Orphanet 140162, MedGen C0027672, MeSH D009386, MONDO:0015356.
Lynch syndrome 5 (LYNCH5). Also called: Colorectal cancer, hereditary nonpolyposis, type 5; Hereditary non-polyposis colorectal cancer, type 5. Identifiers: Orphanet 144, MedGen C1833477, MONDO:0013710, OMIM 614350. Disease mechanism: loss of function.

Submissions (3):

Labcorp Genetics (formerly Invitae), Labcorp
Classification: Pathogenic for Hereditary nonpolyposis colorectal neoplasms. Last evaluated: 2025-11-24. Review status: criteria provided, single submitter. Criteria: Invitae Variant Classification Sherloc (09022015). Collection method: clinical testing. Allele origin: germline.
Comment: This sequence change creates a premature translational stop signal (p.His367Leufs*4) in the MSH6 gene. It is expected to result in an absent or disrupted protein product. Loss-of-function variants in MSH6 are known to be pathogenic (PMID: 18269114, 24362816). This variant is not present in population databases (gnomAD no frequency). This variant has not been reported in the literature in individuals affected with MSH6-related conditions. ClinVar contains an entry for this variant (Variation ID: 822148). For these reasons, this variant has been classified as Pathogenic.

Ambry Genetics
Classification: Pathogenic for Hereditary cancer-predisposing syndrome. Last evaluated: 2024-10-02. Review status: criteria provided, single submitter. Criteria: Ambry Variant Classification Scheme 2023. Collection method: clinical testing. Allele origin: germline.
Comment: The c.1093_1099dupTGGTATC pathogenic mutation, located in coding exon 4 of the MSH6 gene, results from a duplication of TGGTATC at nucleotide position 1093, causing a translational frameshift with a predicted alternate stop codon (p.H367Lfs*4). This variant is considered to be rare based on population cohorts in the Genome Aggregation Database (gnomAD). This alteration is expected to result in loss of function by premature protein truncation or nonsense-mediated mRNA decay. As such, this alteration is interpreted as a disease-causing mutation.

Myriad Genetics, Inc.
Classification: Pathogenic for Lynch syndrome 5. Last evaluated: 2023-10-09. Review status: criteria provided, single submitter. Criteria: Myriad Autosomal Dominant, Autosomal Recessive and X-Linked Classification Criteria (2023). Collection method: clinical testing. Allele origin: unknown.
Comment: This variant is considered pathogenic. This variant creates a frameshift predicted to result in premature protein truncation.

Literature cited by the submitters: PubMed 18269114 (cited by Labcorp Genetics (formerly Invitae), Labcorp); PubMed 24362816 (cited by Labcorp Genetics (formerly Invitae), Labcorp).

NM_000179.3(MSH6):c.1093_1099dup (p.His367fs)

Gene: MSH6 (mutS homolog 6; plus strand). Cytogenetic location: 2p16.3.
Variant type: Duplication.
Coding change: c.1093_1099dup on transcript NM_000179.3 (MANE Select); coding-DNA positions 1093 to 1099, 7 bases duplicated (TGGTATC; older notation c.1093_1099dupTGGTATC).
Protein change: p.His367fs; shifts the reading frame from histidine 367.
Molecular consequence: frameshift variant.
Genome position (GRCh38, 1-based): chr2:47,799,076-47,799,082, TGGTATC duplicated. VCF-style (leftmost placement, unchanged base first): chr2-47799075-T-TTGGTATC. GRCh37 (hg19) VCF-style: chr2-48026214-T-TTGGTATC.
Other names: c.703_709dup, p.His237fs (NM_001281492.2); c.187_193dup, p.His65fs (NM_001281493.2, NM_001281494.2); short protein forms H367fs, H65fs, H237fs.
Identifiers: ClinVar variation 822148 (VCV000822148.7), dbSNP rs1572721655, ClinGen allele CA915943805.